The following is an entry in ClinVar:

NM_001378452.1(ITPR1):c.8074G>A (p.Val2692Ile)

Gene: ITPR1 (inositol 1,4,5-trisphosphate receptor type 1; plus strand). Cytogenetic location: 3p26.1.
Variant type: single nucleotide variant.
Coding change: c.8074G>A on transcript NM_001378452.1 (MANE Select); coding-DNA position 8074, G replaced by A.
Protein change: p.Val2692Ile; replaces valine 2692 with isoleucine.
Molecular consequence: missense variant.
Genome position (GRCh38, 1-based): chr3:4,836,819, G>A. VCF-style: chr3-4836819-G-A. GRCh37 (hg19) VCF-style: chr3-4878503-G-A.
Other names: c.7930G>A, p.Val2644Ile (NM_001099952.4); c.8029G>A, p.Val2677Ile (NM_001168272.2); c.7885G>A, p.Val2629Ile (NM_002222.7); short protein forms V2629I, V2644I, V2677I, V2692I.
Identifiers: ClinVar variation 3365009 (VCV003365009.1).
Genomic context (GRCh38, chr3:4,836,819, plus strand): 5'-TAATGTGGATTCTAGGAAAGAAACCTTGACTGGTTCCCCAGGATGAGAGCCATGTCATTG[G>A]TCAGCAGTGATTCTGAAGGAGAACAGAATGAGCTGAGAAACCTGCAGGAGAAGCTGGAGT-3'
Protein context (NP_001365381.1, residues 2682-2702): WFPRMRAMSL[Val2692Ile]SSDSEGEQNE

ClinVar aggregate classification (germline): Uncertain significance (1 of 4 stars; one submission).

Submission:

GeneDx
Classification: Uncertain significance. Last evaluated: 2023-11-29. Review status: criteria provided, single submitter. Criteria: GeneDx Variant Classification Process June 2021. Collection method: clinical testing. Allele origin: germline. Affected: yes.
Comment: Not observed at significant frequency in large population cohorts (gnomAD); In silico analysis supports that this missense variant does not alter protein structure/function; Has not been previously published as pathogenic or benign to our knowledge